The following is an entry in ClinVar:

ClinVar aggregate classification (germline): Conflicting classifications of pathogenicity. Review status: criteria provided, conflicting classifications (1 of 4 stars). 3 submissions from 3 submitters: Uncertain significance (2); Benign (1). Last evaluated 2025-11-19.

Conditions:
DICER1-related tumor predisposition. Also called: DICER1 syndrome; DICER1-related pleuropulmonary blastoma cancer predisposition syndrome. Identifiers: Orphanet 284343, MedGen C3839822, MONDO:0100216.
Ovarian cancer. Also called: OVARIAN CANCER, SOMATIC. Identifiers: Orphanet 213500, MedGen C1140680, MONDO:0008170, OMIM 167000.
Hereditary cancer-predisposing syndrome. Also called: Neoplastic Syndromes, Hereditary; Hereditary Cancer Syndrome; Hereditary neoplastic syndrome; Tumor predisposition. Identifiers: Orphanet 140162, MedGen C0027672, MeSH D009386, MONDO:0015356.

Allele frequency attached by ClinVar (database versions not stated): gnomAD exomes below 0.00001; TOPMed below 0.00001.
gnomAD v4.1: 2 of 1,614,248 alleles (0.00012%); highest among the groups gnomAD compares: East Asian, 0.0022%; no homozygotes.

Submissions (3):

Labcorp Genetics (formerly Invitae), Labcorp
Classification: Uncertain significance for DICER1-related tumor predisposition. Last evaluated: 2025-11-19. Review status: criteria provided, single submitter. Criteria: Invitae Variant Classification Sherloc (09022015). Collection method: clinical testing. Allele origin: germline.
Comment: This sequence change replaces leucine, which is neutral and non-polar, with proline, which is neutral and non-polar, at codon 1603 of the DICER1 protein (p.Leu1603Pro). This variant is present in population databases (no rsID available, gnomAD 0.006%). This variant has not been reported in the literature in individuals affected with DICER1-related conditions. ClinVar contains an entry for this variant (Variation ID: 644793). Invitae Evidence Modeling of protein sequence and biophysical properties (such as structural, functional, and spatial information, amino acid conservation, physicochemical variation, residue mobility, and thermodynamic stability) indicates that this missense variant is not expected to disrupt DICER1 protein function with a negative predictive value of 95%. In summary, the available evidence is currently insufficient to determine the role of this variant in disease. Therefore, it has been classified as a Variant of Uncertain Significance.

Ambry Genetics
Classification: Uncertain significance for Hereditary cancer-predisposing syndrome. Last evaluated: 2023-07-12. Review status: criteria provided, single submitter. Criteria: Ambry Variant Classification Scheme 2023. Collection method: clinical testing. Allele origin: germline.
Comment: The p.L1603P variant (also known as c.4808T>C), located in coding exon 22 of the DICER1 gene, results from a T to C substitution at nucleotide position 4808. The leucine at codon 1603 is replaced by proline, an amino acid with similar properties. This amino acid position is poorly conserved in available vertebrate species. In addition, this alteration is predicted to be tolerated by in silico analysis. Since supporting evidence is limited at this time, the clinical significance of this alteration remains unclear.

Laboratory of Molecular Epidemiology of Birth Defects, West China Second University Hospital, Sichuan University
Classification: Benign for Ovarian cancer. Last evaluated: 2022-01-01. Review status: criteria provided, single submitter. Criteria: ACMG Guidelines, 2015. Collection method: clinical testing. Allele origin: germline. Affected: yes.

NM_177438.3(DICER1):c.4808T>C (p.Leu1603Pro)

Gene: DICER1 (dicer 1, ribonuclease III; minus strand). Cytogenetic location: 14q32.13.
Variant type: single nucleotide variant.
Coding change: c.4808T>C on transcript NM_177438.3 (MANE Select); coding-DNA position 4808, T replaced by C.
Protein change: p.Leu1603Pro; replaces leucine 1603 with proline.
Molecular consequence: missense variant.
Genome position (GRCh38, 1-based): chr14:95,096,112, A>G on the plus strand (T>C on the coding strand, the complement: DICER1 is on the minus strand). VCF-style: chr14-95096112-A-G. GRCh37 (hg19) VCF-style: chr14-95562449-A-G.
Other names: c.4808T>C, p.Leu1603Pro (NM_001195573.1, NM_001271282.3, NM_001291628.2 and 1 more transcripts); short protein forms L1603P.
Identifiers: ClinVar variation 644793 (VCV000644793.18), dbSNP rs1464874776, ClinGen allele CA390867058.